The following is an entry in ClinVar:

ClinVar aggregate classification (germline): Benign. Review status: criteria provided, multiple submitters, no conflicts (2 of 4 stars). 5 submissions from 5 submitters: Benign (5). Last evaluated 2020-07-30.

Conditions:
Pancreatic cancer, susceptibility to, 1. Identifiers: Orphanet 1333, MedGen C1847351, MONDO:0011739, OMIM 606856.

Allele frequency attached by ClinVar (database versions not stated): 1000 Genomes Project 30x 0.23641; 1000 Genomes Project 0.23962; TOPMed 0.27997; gnomAD exomes 0.28073 and 0.31130; ESP Exome Variant Server 0.28364; ExAC 0.28520; gnomAD 0.29260 and 0.29602.
gnomAD v4.1: 498,539 of 1,613,202 alleles (31%); highest among the groups gnomAD compares: Non-Finnish European, 33%; 78,961 homozygotes.

Submissions (5):

Ambry Genetics
Classification: Benign. Last evaluated: 2020-07-30. Review status: criteria provided, single submitter. Criteria: Ambry Variant Classification Scheme 2023. Collection method: clinical testing. Allele origin: germline.

Illumina Laboratory Services, Illumina
Classification: Benign for Pancreatic cancer, susceptibility to, 1. Last evaluated: 2018-01-13. Review status: criteria provided, single submitter. Criteria: ICSL Variant Classification Criteria 13 December 2019. Collection method: clinical testing. Allele origin: germline.
Comment: This variant was observed in the ICSL laboratory as part of a predisposition screen in an ostensibly healthy population. It had not been previously curated by ICSL or reported in the Human Gene Mutation Database (HGMD: prior to June 1st, 2018), and was therefore a candidate for classification through an automated scoring system. Utilizing variant allele frequency, disease prevalence and penetrance estimates, and inheritance mode, an automated score was calculated to assess if this variant is too frequent to cause the disease. Based on the score and internal cut-off values, a variant classified as benign is not then subjected to further curation. The score for this variant resulted in a classification of benign for this disease.

Laboratory for Molecular Medicine, Mass General Brigham Personalized Medicine
Classification: Benign. Last evaluated: 2016-03-28. Review status: criteria provided, single submitter. Criteria: LMM Criteria. Collection method: clinical testing. Allele origin: germline.
Comment: Variant identified in a genome or exome case(s) and assessed due to predicted null impact of the variant or pathogenic assertions in the literature or databases. Disclaimer: This variant has not undergone full assessment. The following are preliminary notes: Frequency

GeneDx
Classification: Benign. Last evaluated: 2015-03-03. Review status: criteria provided, single submitter. Criteria: GeneDx Variant Classification Process June 2021. Collection method: clinical testing. Allele origin: germline. Affected: yes.

Breakthrough Genomics
Classification: Benign. Review status: criteria provided, single submitter. Criteria: ACMG Guidelines, 2015. Collection method: not provided. Allele origin: germline. Inheritance: Autosomal dominant inheritance. Affected: yes.

NM_001166108.2(PALLD):c.672G>A (p.Met224Ile)

Gene: PALLD (palladin, cytoskeletal associated protein; plus strand). Cytogenetic location: 4q32.3.
Variant type: single nucleotide variant.
Coding change: c.672G>A on transcript NM_001166108.2 (MANE Select); coding-DNA position 672, G replaced by A.
Protein change: p.Met224Ile; replaces methionine 224 with isoleucine.
Molecular consequence: missense variant.
Genome position (GRCh38, 1-based): chr4:168,512,176, G>A. VCF-style: chr4-168512176-G-A. GRCh37 (hg19) VCF-style: chr4-169433327-G-A.
Other names: c.672G>A, p.Met224Ile (NM_016081.4); short protein forms M224I.
Identifiers: ClinVar variation 403285 (VCV000403285.13), dbSNP rs7671781, ClinGen allele CA3135414.
Genomic context (GRCh38, chr4:168,512,176, plus strand): 5'-CCTGTCTCCTAAAAATCAGCCGTCAGCCCTGCTGAGTGCCTCAGCCAGCCAGAGCCCTAT[G>A]GAAGACCAAGGGGAGATGGAAAGAGAGGTCAAGTCCCCTGGGGCCAGGCATTGCTACCAG-3'
Protein context (NP_001159580.1, residues 214-234): LLSASASQSP[Met224Ile]EDQGEMEREV